The following is an entry in ClinVar:

ClinVar aggregate classification (germline): Conflicting classifications of pathogenicity. Review status: criteria provided, conflicting classifications (1 of 4 stars). 2 submissions from 2 submitters: Uncertain significance (1); Likely benign (1). Last evaluated 2024-02-17.

Allele frequency attached by ClinVar (database versions not stated): gnomAD exomes 0.00001; TOPMed 0.00002; ExAC 0.00004.
gnomAD v4.1: 17 of 1,565,564 alleles (0.0011%); highest among the groups gnomAD compares: East Asian, 0.0024%; 1 homozygote.

Submissions (2):

Labcorp Genetics (formerly Invitae), Labcorp
Classification: Likely benign. Last evaluated: 2024-02-17. Review status: criteria provided, single submitter. Criteria: Invitae Variant Classification Sherloc (09022015). Collection method: clinical testing. Allele origin: germline.

GeneDx
Classification: Uncertain significance. Last evaluated: 2022-09-13. Review status: criteria provided, single submitter. Criteria: GeneDx Variant Classification Process June 2021. Collection method: clinical testing. Allele origin: germline. Affected: yes.
Comment: Not observed at significant frequency in large population cohorts (gnomAD); In silico analysis supports that this variant does not alter splicing; Has not been previously published as pathogenic or benign to our knowledge

NM_000260.4(MYO7A):c.3388C>T (p.Leu1130=)

Gene: MYO7A (myosin VIIA; plus strand). Cytogenetic location: 11q13.5.
Variant type: single nucleotide variant.
Coding change: c.3388C>T on transcript NM_000260.4 (MANE Select); coding-DNA position 3388, C replaced by T.
Protein change: p.Leu1130=; no amino-acid change (leucine 1130 retained).
Molecular consequence: synonymous variant.
Genome position (GRCh38, 1-based): chr11:77,184,600, C>T. VCF-style: chr11-77184600-C-T. GRCh37 (hg19) VCF-style: chr11-76895645-C-T.
Other names: c.3388C>T (NM_000260.3); c.3388C>T, p.Leu1130= (NM_001127180.2); c.3355C>T, p.Leu1119= (NM_001369365.1).
Identifiers: ClinVar variation 1464534 (VCV001464534.9), dbSNP rs782397974, ClinGen allele CA6198054.